The following is an entry in ClinVar:

ClinVar aggregate classification (germline): Likely benign (1 of 4 stars; one submission).

Allele frequency attached by ClinVar (database versions not stated): gnomAD 0.00039.

Submission:

CeGaT Center for Human Genetics Tuebingen
Classification: Likely benign. Last evaluated: 2023-03-01. Review status: criteria provided, single submitter. Criteria: CeGaT Center For Human Genetics Tuebingen Variant Classification Criteria Version 2. Collection method: clinical testing. Allele origin: germline. Affected: yes. Observed: 1 variant allele.
Comment: MUC5B: BP4, BP7

NM_002458.3(MUC5B):c.8745C>G (p.Leu2915=)

Genes: MUC5B (mucin 5B, oligomeric mucus/gel-forming; plus strand), MUC5B-AS1 (MUC5B antisense RNA 1; minus strand). Cytogenetic location: 11p15.5.
Variant type: single nucleotide variant.
Coding change: c.8745C>G on transcript NM_002458.3 (MANE Select); coding-DNA position 8745, C replaced by G.
Protein change: p.Leu2915=; no amino-acid change (leucine 2915 retained).
Molecular consequence: synonymous variant.
Genome position (GRCh38, 1-based): chr11:1,245,625, C>G. VCF-style: chr11-1245625-C-G. GRCh37 (hg19) VCF-style: chr11-1266855-C-G.
Identifiers: ClinVar variation 2641245 (VCV002641245.24), dbSNP rs761244219, ClinGen allele CA472451646.